The following is an entry in ClinVar:

ClinVar aggregate classification (germline): Uncertain significance (1 of 4 stars; one submission).

gnomAD v4.1: 3 of 1,607,198 alleles (0.00019%); highest among the groups gnomAD compares: Non-Finnish European, 0.00017%; no homozygotes.

Submission:

Mayo Clinic Laboratories, Mayo Clinic
Classification: Uncertain significance. Last evaluated: 2025-08-20. Review status: criteria provided, single submitter. Criteria: ACMG Guidelines, 2015. Collection method: clinical testing. Allele origin: germline. Observed: 2 variant alleles.
Comment: BP4_moderate, PM1_supporting, PM2_supporting

NM_000552.5(VWF):c.1723C>A (p.Arg575Ser)

Gene: VWF (von Willebrand factor; minus strand). Cytogenetic location: 12p13.31.
Variant type: single nucleotide variant.
Coding change: c.1723C>A on transcript NM_000552.5 (MANE Select); coding-DNA position 1723, C replaced by A.
Protein change: p.Arg575Ser; replaces arginine 575 with serine.
Molecular consequence: missense variant.
Genome position (GRCh38, 1-based): chr12:6,057,855, G>T on the plus strand (C>A on the coding strand, the complement: VWF is on the minus strand). VCF-style: chr12-6057855-G-T. GRCh37 (hg19) VCF-style: chr12-6167021-G-T.
Other names: p.Arg575Ser; short protein forms R575S.
Identifiers: ClinVar variation 3380079 (VCV003380079.2).